The following is an entry in ClinVar:

ClinVar aggregate classification (germline): Uncertain significance. Review status: criteria provided, multiple submitters, no conflicts (2 of 4 stars). 3 submissions from 3 submitters: Uncertain significance (3). Last evaluated 2025-05-16.

Conditions:
Glycogen storage disease, type V (GSD5). Also called: MCARDLE DISEASE; MUSCLE GLYCOGEN PHOSPHORYLASE DEFICIENCY; MYOPHOSPHORYLASE DEFICIENCY; PYGM DEFICIENCY; McArdle type glycogen storage disease. Identifiers: Orphanet 368, MedGen C0017924, MONDO:0009293, OMIM 232600.
Inborn genetic diseases. Identifiers: MedGen C0950123, MeSH D030342.

Allele frequency attached by ClinVar (database versions not stated): gnomAD exomes 0.00001 and 0.00002; ExAC 0.00002; gnomAD 0.00003 and 0.00004; TOPMed 0.00005.
gnomAD v4.1: 19 of 1,613,348 alleles (0.0012%); highest among the groups gnomAD compares: African/African-American, 0.011%; no homozygotes.

Submissions (3):

Ambry Genetics
Classification: Uncertain significance for Inborn genetic diseases. Last evaluated: 2025-05-16. Review status: criteria provided, single submitter. Criteria: Ambry Variant Classification Scheme 2023. Collection method: clinical testing. Allele origin: germline.

Fulgent Genetics
Classification: Uncertain significance for Glycogen storage disease, type V. Last evaluated: 2024-04-04. Review status: criteria provided, single submitter. Criteria: ACMG Guidelines, 2015. Collection method: clinical testing. Allele origin: germline.

Labcorp Genetics (formerly Invitae), Labcorp
Classification: Uncertain significance for Glycogen storage disease, type V. Last evaluated: 2021-12-02. Review status: criteria provided, single submitter. Criteria: Invitae Variant Classification Sherloc (09022015). Collection method: clinical testing. Allele origin: germline.
Comment: This sequence change replaces arginine, which is basic and polar, with tryptophan, which is neutral and slightly polar, at codon 359 of the PYGM protein (p.Arg359Trp). This variant is present in population databases (rs761807664, gnomAD 0.008%). This variant has not been reported in the literature in individuals affected with PYGM-related conditions. Algorithms developed to predict the effect of missense changes on protein structure and function are either unavailable or do not agree on the potential impact of this missense change (SIFT: "Not Available"; PolyPhen-2: "Possibly Damaging"; Align-GVGD: "Not Available"). In summary, the available evidence is currently insufficient to determine the role of this variant in disease. Therefore, it has been classified as a Variant of Uncertain Significance.

NM_005609.4(PYGM):c.1075C>T (p.Arg359Trp)

Gene: PYGM (glycogen phosphorylase, muscle associated; minus strand). Cytogenetic location: 11q13.1.
Variant type: single nucleotide variant.
Coding change: c.1075C>T on transcript NM_005609.4 (MANE Select); coding-DNA position 1075, C replaced by T.
Protein change: p.Arg359Trp; replaces arginine 359 with tryptophan.
Molecular consequence: missense variant.
Genome position (GRCh38, 1-based): chr11:64,754,270, G>A on the plus strand (C>T on the coding strand, the complement: PYGM is on the minus strand). VCF-style: chr11-64754270-G-A. GRCh37 (hg19) VCF-style: chr11-64521742-G-A.
Other names: c.1075C>T (NM_005609.2); c.811C>T, p.Arg271Trp (NM_001164716.1); short protein forms R271W, R359W.
Identifiers: ClinVar variation 1415873 (VCV001415873.5), dbSNP rs761807664, ClinGen allele CA6080020.